The following is an entry in ClinVar:

ClinVar aggregate classification (germline): Uncertain significance (1 of 4 stars; one submission).

Conditions:
Rienhoff syndrome. Also called: LOEYS-DIETZ SYNDROME 5. Identifiers: MedGen C3810012, MONDO:0014262, OMIM 615582.

Submission:

Labcorp Genetics (formerly Invitae), Labcorp
Classification: Uncertain significance for Rienhoff syndrome. Last evaluated: 2024-01-11. Review status: criteria provided, single submitter. Criteria: Invitae Variant Classification Sherloc (09022015). Collection method: clinical testing. Allele origin: germline.
Comment: This variant, c.1216_1218del, results in the deletion of 1 amino acid(s) of the TGFB3 protein (p.Val406del), but otherwise preserves the integrity of the reading frame. This variant is not present in population databases (gnomAD no frequency). This variant has been observed in individual(s) with clinical features of TGFB3-related conditions (Invitae). Experimental studies and prediction algorithms are not available or were not evaluated, and the functional significance of this variant is currently unknown. In summary, the available evidence is currently insufficient to determine the role of this variant in disease. Therefore, it has been classified as a Variant of Uncertain Significance.

NM_003239.5(TGFB3):c.1213GTG[1] (p.Val406del)

Gene: TGFB3 (transforming growth factor beta 3; minus strand). Cytogenetic location: 14q24.3.
Variant type: Microsatellite.
Coding change: c.1213GTG[1] on transcript NM_003239.5 (MANE Select); one copy of the 3-base unit GTG starting at c.1213; the reference has two copies in a row; one copy, 3 bases deleted.
Protein change: p.Val406del; deletes valine 406.
Molecular consequence: inframe deletion.
Genome position (GRCh38, 1-based): chr14:75,959,208-75,959,210, CAC deleted on the plus strand (GTG on the coding strand, the reverse complement: TGFB3 is on the minus strand); deleting any 3 consecutive bases within chr14:75,959,208-75,959,215 gives the same sequence; the position shown is the placement nearest the transcript's 3' end. VCF-style (leftmost placement, unchanged base first): chr14-75959207-TCAC-T. GRCh37 (hg19) VCF-style: chr14-76425550-TCAC-T.
Other names: c.1213GTG[1], p.Val406del (NM_001329939.2); short protein forms V406del.
Identifiers: ClinVar variation 2040910 (VCV002040910.4), dbSNP rs2504093472, ClinGen allele CA2580613728.